The following is an entry in ClinVar:

NM_172107.4(KCNQ2):c.1490G>A (p.Arg497His)

Gene: KCNQ2 (potassium voltage-gated channel subfamily Q member 2; minus strand). Cytogenetic location: 20q13.33.
Variant type: single nucleotide variant.
Coding change: c.1490G>A on transcript NM_172107.4 (MANE Select); coding-DNA position 1490, G replaced by A.
Protein change: p.Arg497His; replaces arginine 497 with histidine.
Molecular consequence: missense variant.
Genome position (GRCh38, 1-based): chr20:63,414,938, C>T on the plus strand (G>A on the coding strand, the complement: KCNQ2 is on the minus strand). VCF-style: chr20-63414938-C-T. GRCh37 (hg19) VCF-style: chr20-62046291-C-T.
Other names: c.1406G>A, p.Arg469His (NM_004518.6); c.1436G>A, p.Arg479His (NM_172106.3); c.1400G>A, p.Arg467His (NM_172108.5); short protein forms R497H, R467H, R469H, R479H.
Identifiers: ClinVar variation 530434 (VCV000530434.13), dbSNP rs769414365, ClinGen allele CA9958448.

ClinVar aggregate classification (germline): Uncertain significance. Review status: criteria provided, multiple submitters, no conflicts (2 of 4 stars). 2 submissions from 2 submitters: Uncertain significance (2). Last evaluated 2026-01-21.

Conditions:
Early-infantile DEE. Also called: Early infantile epileptic encephalopathy; Early infantile epileptic encephalopathy with suppression bursts; Ohtahara syndrome. Identifiers: Orphanet 1934, MedGen C0393706, MONDO:0800491.

Allele frequency attached by ClinVar (database versions not stated): gnomAD exomes below 0.00001; TOPMed below 0.00001; ExAC 0.00002.
gnomAD v4.1: 5 of 1,612,726 alleles (0.00031%); highest among the groups gnomAD compares: Non-Finnish European, 0.00042%; no homozygotes.

Submissions (2):

Labcorp Genetics (formerly Invitae), Labcorp
Classification: Uncertain significance for Early-infantile DEE. Last evaluated: 2026-01-21. Review status: criteria provided, single submitter. Criteria: Invitae Variant Classification Sherloc (09022015). Collection method: clinical testing. Allele origin: germline.
Comment: This sequence change replaces arginine, which is basic and polar, with histidine, which is basic and polar, at codon 497 of the KCNQ2 protein (p.Arg497His). This variant is present in population databases (rs769414365, gnomAD 0.0009%). This variant has not been reported in the literature in individuals affected with KCNQ2-related conditions. ClinVar contains an entry for this variant (Variation ID: 530434). Invitae Evidence Modeling of protein sequence and biophysical properties (such as structural, functional, and spatial information, amino acid conservation, physicochemical variation, residue mobility, and thermodynamic stability) indicates that this missense variant is expected to disrupt KCNQ2 protein function with a positive predictive value of 95%. In summary, the available evidence is currently insufficient to determine the role of this variant in disease. Therefore, it has been classified as a Variant of Uncertain Significance.

GeneDx
Classification: Uncertain significance. Last evaluated: 2019-08-23. Review status: criteria provided, single submitter. Criteria: GeneDx Variant Classification Process June 2021. Collection method: clinical testing. Allele origin: germline. Affected: yes.
Comment: The majority of missense variants in this gene are considered pathogenic (Stenson et al., 2014); In silico analysis, which includes protein predictors and evolutionary conservation, supports a deleterious effect; Has not been previously published as pathogenic or benign to our knowledge; This substitution is predicted to be within the C-terminal cytoplasmic domain